The following is an entry in ClinVar:

ClinVar aggregate classification (germline): Uncertain significance (1 of 4 stars; one submission).

Conditions:
Hereditary spastic paraplegia 43. Also called: Spastic paraplegia 43, autosomal recessive. Identifiers: Orphanet 320370, MedGen C2680446, MONDO:0014024, OMIM 615043.

Submission:

Neuberg Centre For Genomic Medicine, NCGM
Classification: Uncertain significance for Hereditary spastic paraplegia 43. Review status: criteria provided, single submitter. Criteria: ACMG Guidelines, 2015. Collection method: clinical testing. Allele origin: germline. Inheritance: Autosomal recessive inheritance. Affected: yes.
Comment: The missense variant p.V53L in C19orf12 (NM_031448.6) has not been reported previously as a pathogenic variant nor as a benign variant, to our knowledge. The p.V53L variant is novel (not in any individuals) in gnomAD Exomes and is novel (not in any individuals) in 1000 Genomes. There is a small physicochemical difference between valine and leucine, which is not likely to impact secondary protein structure as these residues share similar properties. The p.V53L missense variant is predicted to be tolerated by both SIFT or PolyPhen2. The nucleotide c.157 in C19orf12 is not conserved according to a GERP++ and PhyloP analysis of 100 vertebrates. For these reasons, this variant has been classified as Uncertain Significance. Mutation in same gene causes (NBIA) Neurodegeneration with brain iron accumulation 4.

NM_031448.6(C19orf12):c.157G>C (p.Val53Leu)

Gene: C19orf12 (chromosome 19 open reading frame 12; minus strand). Cytogenetic location: 19q12.
Variant type: single nucleotide variant.
Coding change: c.157G>C on transcript NM_031448.6 (MANE Select); coding-DNA position 157, G replaced by C.
Protein change: p.Val53Leu; replaces valine 53 with leucine.
Molecular consequence: missense variant. On other transcripts: 5 prime UTR variant (1), intron variant (2).
Genome position (GRCh38, 1-based): chr19:29,708,257, C>G on the plus strand (G>C on the coding strand, the complement: C19orf12 is on the minus strand). VCF-style: chr19-29708257-C-G. GRCh37 (hg19) VCF-style: chr19-30199164-C-G.
Other names: c.157G>C, p.Val53Leu (NM_001031726.4, NM_001256046.3, NM_001256047.2); c.-157G>C (NM_001282931.3); c.-32-5280G>C (NM_001282929.1, NM_001282930.3); short protein forms V53L.
Identifiers: ClinVar variation 2584847 (VCV002584847.1), dbSNP rs770151721, ClinGen allele CA405145379.